The following is an entry in ClinVar:

NM_025257.3(SLC44A4):c.380T>C (p.Val127Ala)

Gene: SLC44A4 (solute carrier family 44 member 4; minus strand). Cytogenetic location: 6p21.33.
Variant type: single nucleotide variant.
Coding change: c.380T>C on transcript NM_025257.3 (MANE Select); coding-DNA position 380, T replaced by C.
Protein change: p.Val127Ala; replaces valine 127 with alanine.
Molecular consequence: missense variant. On other transcripts: intron variant (1).
Genome position (GRCh38, 1-based): chr6:31,874,809, A>G on the plus strand (T>C on the coding strand, the complement: SLC44A4 is on the minus strand). VCF-style: chr6-31874809-A-G. GRCh37 (hg19) VCF-style: chr6-31842586-A-G.
Other names: c.152T>C, p.Val51Ala (NM_001178045.2); c.342+120T>C (NM_001178044.2); c.380T>C (NM_025257.2); short protein forms V51A, V127A.
Identifiers: ClinVar variation 1345940 (VCV001345940.7), dbSNP rs140047804, ClinGen allele CA3725716.

ClinVar aggregate classification (germline): Uncertain significance. Review status: criteria provided, multiple submitters, no conflicts (2 of 4 stars). 2 submissions from 2 submitters: Uncertain significance (2). Last evaluated 2026-04-13.

Conditions:
SLC44A4-related disorder. Also called: SLC44A4-related condition.

Allele frequency attached by ClinVar (database versions not stated): ExAC 0.00007; gnomAD 0.00008 and 0.00009; gnomAD exomes 0.00008 and 0.00010; TOPMed 0.00010; ESP Exome Variant Server 0.00023.
gnomAD v4.1: 158 of 1,613,396 alleles (0.0098%); highest among the groups gnomAD compares: Non-Finnish European, 0.012%; no homozygotes.

Submissions (2):

PreventionGenetics, part of Exact Sciences
Classification: Uncertain significance for SLC44A4-related condition. Last evaluated: 2026-04-13. Review status: criteria provided, single submitter. Criteria: ACMG Guidelines, 2015. Collection method: clinical testing. Allele origin: germline.
Comment: The SLC44A4 c.380T>C variant is predicted to result in the amino acid substitution p.Val127Ala. To our knowledge, this variant has not been reported in the literature. This variant is reported in 0.012% of alleles in individuals of European (Finnish) descent in gnomAD. Although we suspect that this variant may be benign, at this time, the clinical significance of this variant is uncertain due to the absence of conclusive functional and genetic evidence.

Labcorp Genetics (formerly Invitae), Labcorp
Classification: Uncertain significance. Last evaluated: 2024-05-01. Review status: criteria provided, single submitter. Criteria: Invitae Variant Classification Sherloc (09022015). Collection method: clinical testing. Allele origin: germline.
Comment: This sequence change replaces valine, which is neutral and non-polar, with alanine, which is neutral and non-polar, at codon 127 of the SLC44A4 protein (p.Val127Ala). This variant is present in population databases (rs140047804, gnomAD 0.01%). This variant has not been reported in the literature in individuals affected with SLC44A4-related conditions. ClinVar contains an entry for this variant (Variation ID: 1345940). Advanced modeling of protein sequence and biophysical properties (such as structural, functional, and spatial information, amino acid conservation, physicochemical variation, residue mobility, and thermodynamic stability) performed at Invitae indicates that this missense variant is not expected to disrupt SLC44A4 protein function with a negative predictive value of 80%. In summary, the available evidence is currently insufficient to determine the role of this variant in disease. Therefore, it has been classified as a Variant of Uncertain Significance.